The following is an entry in ClinVar:

ClinVar aggregate classification (germline): Pathogenic (1 of 4 stars; one submission).

Conditions:
Generalized epilepsy with febrile seizures plus, type 7 (GEFSP7). Also called: GEFS+, TYPE 7. Identifiers: Orphanet 36387, MedGen C2751778, MONDO:0013470, OMIM 613863.
Neuropathy, hereditary sensory and autonomic, type 2A (HSAN2A). Also called: MORVAN DISEASE; NEUROPATHY, CONGENITAL SENSORY; NEUROPATHY, HEREDITARY SENSORY RADICULAR, AUTOSOMAL RECESSIVE; NEUROPATHY, HEREDITARY SENSORY, TYPE IIA; NEUROPATHY, PROGRESSIVE SENSORY, OF CHILDREN; HSAN IIA. Identifiers: Orphanet 970, MedGen C2752089, MONDO:0024309, OMIM 201300.

Submission:

Labcorp Genetics (formerly Invitae), Labcorp
Classification: Pathogenic for Neuropathy, hereditary sensory and autonomic, type 2A; Generalized epilepsy with febrile seizures plus, type 7. Last evaluated: 2022-08-03. Review status: criteria provided, single submitter. Criteria: Invitae Variant Classification Sherloc (09022015). Collection method: clinical testing. Allele origin: germline.
Comment: For these reasons, this variant has been classified as Pathogenic. This variant disrupts a region of the SCN9A protein in which other variant(s) (p.Glu1773Glyfs*14) have been determined to be pathogenic (PMID: 25253744, 30795902). This suggests that this is a clinically significant region of the protein, and that variants that disrupt it are likely to be disease-causing. This variant has not been reported in the literature in individuals affected with SCN9A-related conditions. This variant is a gross deletion of the genomic region encompassing exon(s) 27 of the SCN9A gene, which includes the termination codon. This deletion extends beyond the assayed region for this gene and therefore may encompass additional genes. While this deletion is not anticipated to lead to nonsense mediated decay, it is expected to alter mRNA translation or result in a truncated protein product.

Literature cited by the submitters: PubMed 25253744; PubMed 30795902.

NC_000002.11:g.(?_167055182)_(167056394_?)del

Gene: SCN9A (sodium voltage-gated channel alpha subunit 9; minus strand). Cytogenetic location: 2q24.3.
Variant type: Deletion.
Identifiers: ClinVar variation 2424581 (VCV002424581.4).